The following is an entry in ClinVar:

ClinVar aggregate classification (germline): Likely benign. Review status: criteria provided, multiple submitters, no conflicts (2 of 4 stars). 3 submissions from 3 submitters: Likely benign (3). Last evaluated 2025-09-15.

Conditions:
KIT-related disorder. Also called: KIT-related condition.
Hereditary cancer-predisposing syndrome. Also called: Hereditary Cancer Syndrome; Tumor predisposition; Hereditary neoplastic syndrome; Neoplastic Syndromes, Hereditary. Identifiers: Orphanet 140162, MedGen C0027672, MeSH D009386, MONDO:0015356.
Gastrointestinal stromal tumor. Also called: Gastrointestinal stroma tumor; Gastrointestinal stromal tumor, somatic. Identifiers: Orphanet 44890, MedGen C0238198, MeSH D046152, MONDO:0011719, OMIM 606764, HP:0100723.

Allele frequency attached by ClinVar (database versions not stated): gnomAD exomes 0.00001.
gnomAD v4.1: 5 of 1,614,078 alleles (0.00031%); highest among the groups gnomAD compares: Non-Finnish European, 0.00042%; no homozygotes.

Submissions (3):

Labcorp Genetics (formerly Invitae), Labcorp
Classification: Likely benign for Gastrointestinal stromal tumor. Last evaluated: 2025-09-15. Review status: criteria provided, single submitter. Criteria: Invitae Variant Classification Sherloc (09022015). Collection method: clinical testing. Allele origin: germline.

PreventionGenetics, part of Exact Sciences
Classification: Likely benign for KIT-related condition. Last evaluated: 2025-09-02. Review status: criteria provided, single submitter. Criteria: ACMG Guidelines, 2015. Collection method: clinical testing. Allele origin: germline.
Comment: This variant is classified as likely benign based on ACMG/AMP sequence variant interpretation guidelines (Richards et al. 2015 PMID: 25741868, with internal and published modifications).

Ambry Genetics
Classification: Likely benign for Hereditary cancer-predisposing syndrome. Last evaluated: 2020-01-24. Review status: criteria provided, single submitter. Criteria: Ambry Variant Classification Scheme 2023. Collection method: clinical testing. Allele origin: germline.

NM_000222.3(KIT):c.2679A>G (p.Glu893=)

Gene: KIT (KIT proto-oncogene, receptor tyrosine kinase; plus strand). Cytogenetic location: 4q12.
Variant type: single nucleotide variant.
Coding change: c.2679A>G on transcript NM_000222.3 (MANE Select); coding-DNA position 2679, A replaced by G.
Protein change: p.Glu893=; no amino-acid change (glutamic acid 893 retained).
Molecular consequence: synonymous variant.
Genome position (GRCh38, 1-based): chr4:54,736,803, A>G. VCF-style: chr4-54736803-A-G. GRCh37 (hg19) VCF-style: chr4-55602969-A-G.
Other names: c.2667A>G, p.Glu889= (NM_001093772.2, NM_001385292.1); c.2682A>G, p.Glu894= (NM_001385284.1); c.2676A>G, p.Glu892= (NM_001385285.1); c.2664A>G, p.Glu888= (NM_001385286.1); c.2670A>G, p.Glu890= (NM_001385288.1); c.2679A>G, p.Glu893= (NM_001385290.1).
Identifiers: ClinVar variation 415795 (VCV000415795.15), dbSNP rs1060504657, ClinGen allele CA16611693.